The following is an entry in ClinVar:

NM_000038.6(APC):c.2978A>C (p.Lys993Thr)

Gene: APC (APC regulator of Wnt signaling pathway; plus strand). Cytogenetic location: 5q22.2.
Variant type: single nucleotide variant.
Coding change: c.2978A>C on transcript NM_000038.6 (MANE Select); coding-DNA position 2978, A replaced by C.
Protein change: p.Lys993Thr; replaces lysine 993 with threonine.
Molecular consequence: missense variant.
Genome position (GRCh38, 1-based): chr5:112,838,572, A>C. VCF-style: chr5-112838572-A-C. GRCh37 (hg19) VCF-style: chr5-112174269-A-C.
Other names: c.2498A>C, p.Lys833Thr (NM_001354905.2); c.2129A>C, p.Lys710Thr (NM_001354906.2); c.2978A>C, p.Lys993Thr (NM_001127510.3, NM_001354895.2); c.2924A>C, p.Lys975Thr (NM_001127511.3); c.3032A>C, p.Lys1011Thr (NM_001354896.2); c.3008A>C, p.Lys1003Thr (NM_001354897.2); c.2903A>C, p.Lys968Thr (NM_001354898.2); c.2894A>C, p.Lys965Thr (NM_001354899.2); and 5 more; short protein forms K993T, K975T, K710T, K867T, K952T, K968T, K1003T, K833T.
Identifiers: ClinVar variation 482514 (VCV000482514.20), dbSNP rs1554084627, ClinGen allele CA16027841.

ClinVar aggregate classification (germline): Uncertain significance. Review status: criteria provided, multiple submitters, no conflicts (2 of 4 stars). 5 submissions from 5 submitters: Uncertain significance (5). Last evaluated 2025-11-11.

Conditions:
Classic or attenuated familial adenomatous polyposis. Identifiers: MedGen CN372698, MONDO:0021057.
Familial adenomatous polyposis 1 (FAP1). Also called: FAMILIAL ADENOMATOUS POLYPOSIS 1, ATTENUATED; POLYPOSIS, ADENOMATOUS INTESTINAL. Identifiers: MedGen C2713442, MONDO:0021056, OMIM 175100. Disease mechanism: loss of function.
Hereditary cancer-predisposing syndrome. Also called: Neoplastic Syndromes, Hereditary; Tumor predisposition; Hereditary Cancer Syndrome; Hereditary neoplastic syndrome. Identifiers: Orphanet 140162, MedGen C0027672, MeSH D009386, MONDO:0015356.

Submissions (5):

Color Diagnostics, LLC DBA Color Health
Classification: Uncertain significance for Hereditary cancer-predisposing syndrome. Last evaluated: 2025-11-11. Review status: criteria provided, single submitter. Criteria: ACMG Guidelines, 2015. Collection method: clinical testing. Allele origin: germline.
Comment: This missense variant replaces lysine with threonine at codon 993 of the APC protein. Computational prediction is inconclusive regarding the impact of this variant on protein structure and function. APC is defined as a gene for which primarily truncating variants are known to cause disease (ClinGen HCCP VCEP). To our knowledge, functional studies have not been reported for this variant. This variant has not been reported in individuals affected with APC-related disorders in the literature. This variant has not been identified in the general population by the Genome Aggregation Database (gnomAD). The available evidence is insufficient to determine the role of this variant in disease conclusively. Therefore, this variant is classified as a Variant of Uncertain Significance.

Ambry Genetics
Classification: Uncertain significance for Hereditary cancer-predisposing syndrome. Last evaluated: 2025-11-04. Review status: criteria provided, single submitter. Criteria: Ambry Variant Classification Scheme 2023. Collection method: clinical testing. Allele origin: germline.
Comment: The p.K993T variant (also known as c.2978A>C), located in coding exon 15 of the APC gene, results from an A to C substitution at nucleotide position 2978. The lysine at codon 993 is replaced by threonine, an amino acid with similar properties. This amino acid position is highly conserved in available vertebrate species. In addition, in silico predictors for this gene do not accurately predict pathogenicity. Missense alterations in APC are not a common cause of disease (Spier I et al. Genet Med. 2024 Feb;26(2):100992). Based on the available evidence, the clinical significance of this variant remains unclear.

Labcorp Genetics (formerly Invitae), Labcorp
Classification: Uncertain significance for Familial adenomatous polyposis 1. Last evaluated: 2025-01-19. Review status: criteria provided, single submitter. Criteria: Invitae Variant Classification Sherloc (09022015). Collection method: clinical testing. Allele origin: germline.
Comment: This sequence change replaces lysine, which is basic and polar, with threonine, which is neutral and polar, at codon 993 of the APC protein (p.Lys993Thr). This variant is not present in population databases (gnomAD no frequency). This variant has not been reported in the literature in individuals affected with APC-related conditions. ClinVar contains an entry for this variant (Variation ID: 482514). Invitae Evidence Modeling of protein sequence and biophysical properties (such as structural, functional, and spatial information, amino acid conservation, physicochemical variation, residue mobility, and thermodynamic stability) indicates that this missense variant is not expected to disrupt APC protein function with a negative predictive value of 95%. In summary, the available evidence is currently insufficient to determine the role of this variant in disease. Therefore, it has been classified as a Variant of Uncertain Significance.

Department of Pathology and Laboratory Medicine, Sinai Health System
Classification: Uncertain significance for classic or attenuated familial adenomatous polyposis. Last evaluated: 2024-11-19. Review status: criteria provided, single submitter. Criteria: ACMG Guidelines, 2015. Collection method: clinical testing. Allele origin: germline.

All of Us Research Program, National Institutes of Health
Classification: Uncertain significance for Classic or attenuated familial adenomatous polyposis. Last evaluated: 2023-04-10. Review status: criteria provided, single submitter. Criteria: ACMG Guidelines, 2015. Collection method: clinical testing. Allele origin: germline. Inheritance: Autosomal dominant inheritance. Observed: 1 variant allele, 1 heterozygote.
Comment: This missense variant replaces lysine with threonine at codon 993 of the APC protein. Computational prediction is inconclusive regarding the impact of this variant on protein structure and function (internally defined REVEL score threshold 0.5 < inconclusive < 0.7, PMID: 27666373). To our knowledge, functional studies have not been reported for this variant. This variant has not been reported in individuals affected with APC-related disorders in the literature. This variant has not been identified in the general population by the Genome Aggregation Database (gnomAD). The available evidence is insufficient to determine the role of this variant in disease conclusively. Therefore, this variant is classified as a Variant of Uncertain Significance.

This study involves interpretation of variants in research participants for the purpose of population health screening. Participant phenotype was not available at the time of variant classification. Additional details can be found in publication PMID: 35346344, PMCID: PMC8962531